The following is an entry in ClinVar:

ClinVar aggregate classification (germline): Uncertain significance. Review status: criteria provided, multiple submitters, no conflicts (2 of 4 stars). 3 submissions from 3 submitters: Uncertain significance (3). Last evaluated 2025-05-11.

Conditions:
Retinitis pigmentosa 80 (RP80). Identifiers: MedGen C4540439, MONDO:0054708, OMIM 617781.
Saldino-Mainzer syndrome (SRTD9). Also called: CONORENAL SYNDROME; short-rib thoracic dysplasia 9 with or without polydactyly; SHORT-RIB THORACIC DYSPLASIA 9 WITHOUT POLYDACTYLY; Renal dysplasia, retinal pigmentary dystrophy, cerebellar ataxia and skeletal dysplasia. Identifiers: Orphanet 140969, MedGen C1849437, MONDO:0009964, OMIM 266920.

Allele frequency attached by ClinVar (database versions not stated): gnomAD exomes below 0.00001 and 0.00001; ExAC 0.00001.
gnomAD v4.1: 11 of 1,613,964 alleles (0.00068%); highest among the groups gnomAD compares: Non-Finnish European, 0.00093%; no homozygotes.

Submissions (3):

Labcorp Genetics (formerly Invitae), Labcorp
Classification: Uncertain significance for Saldino-Mainzer syndrome. Last evaluated: 2025-05-11. Review status: criteria provided, single submitter. Criteria: Invitae Variant Classification Sherloc (09022015). Collection method: clinical testing. Allele origin: germline.
Comment: This sequence change replaces proline, which is neutral and non-polar, with leucine, which is neutral and non-polar, at codon 1123 of the IFT140 protein (p.Pro1123Leu). This variant is present in population databases (rs781672845, gnomAD 0.0009%). This variant has not been reported in the literature in individuals affected with IFT140-related conditions. ClinVar contains an entry for this variant (Variation ID: 1357202). Invitae Evidence Modeling of protein sequence and biophysical properties (such as structural, functional, and spatial information, amino acid conservation, physicochemical variation, residue mobility, and thermodynamic stability) has been performed for this missense variant. However, the output from this modeling did not meet the statistical confidence thresholds required to predict the impact of this variant on IFT140 protein function. In summary, the available evidence is currently insufficient to determine the role of this variant in disease. Therefore, it has been classified as a Variant of Uncertain Significance.

Blueprint Genetics
Classification: Uncertain significance. Last evaluated: 2024-09-17. Review status: criteria provided, single submitter. Criteria: ACMG Guidelines, 2015. Collection method: clinical testing. Allele origin: germline.

Fulgent Genetics
Classification: Uncertain significance for Saldino-Mainzer syndrome; Retinitis pigmentosa 80. Last evaluated: 2024-04-08. Review status: criteria provided, single submitter. Criteria: ACMG Guidelines, 2015. Collection method: clinical testing. Allele origin: germline.

NM_014714.4(IFT140):c.3368C>T (p.Pro1123Leu)

Gene: IFT140 (intraflagellar transport 140; minus strand). Cytogenetic location: 16p13.3.
Variant type: single nucleotide variant.
Coding change: c.3368C>T on transcript NM_014714.4 (MANE Select); coding-DNA position 3368, C replaced by T.
Protein change: p.Pro1123Leu; replaces proline 1123 with leucine.
Molecular consequence: missense variant.
Genome position (GRCh38, 1-based): chr16:1,523,603, G>A on the plus strand (C>T on the coding strand, the complement: IFT140 is on the minus strand). VCF-style: chr16-1523603-G-A. GRCh37 (hg19) VCF-style: chr16-1573604-G-A.
Other names: short protein forms P1123L.
Identifiers: ClinVar variation 1357202 (VCV001357202.6), dbSNP rs781672845, ClinGen allele CA7813195.